The following is an entry in ClinVar:

NM_001271696.3(ABCB7):c.937C>T (p.Arg313Trp)

Gene: ABCB7 (ATP binding cassette subfamily B member 7; minus strand). Cytogenetic location: Xq13.3.
Variant type: single nucleotide variant.
Coding change: c.937C>T on transcript NM_001271696.3 (MANE Select); coding-DNA position 937, C replaced by T.
Protein change: p.Arg313Trp; replaces arginine 313 with tryptophan.
Molecular consequence: missense variant.
Genome position (GRCh38, 1-based): chrX:75,073,875, G>A on the plus strand (C>T on the coding strand, the complement: ABCB7 is on the minus strand). VCF-style: chrX-75073875-G-A. GRCh37 (hg19) VCF-style: chrX-74293710-G-A.
Other names: c.817C>T, p.Arg273Trp (NM_001271697.3); c.859C>T, p.Arg287Trp (NM_001271698.3); c.820C>T, p.Arg274Trp (NM_001271699.3); c.940C>T, p.Arg314Trp (NM_004299.6); short protein forms R274W, R313W, R287W, R314W, R273W.
Identifiers: ClinVar variation 3393814 (VCV003393814.1).
Genomic context (GRCh38, chrX:75,073,875, plus strand): 5'-TATAAAAGCAAAACAATTTCTAAATTTTATGTGGCTTCTAGGGAATAAATTACCTCCACC[G>A]TGTGACTGCAACTGTGAATGCTGTGTATGTACCAAGTGTTCCAAGGGTTACCAAAGCAAA-3'
Protein context (NP_001258625.1, residues 303-323): TYTAFTVAVT[Arg313Trp]WRTRFRIEMN

ClinVar aggregate classification (germline): Uncertain significance (1 of 4 stars; one submission).

Submission:

GeneDx
Classification: Uncertain significance. Last evaluated: 2024-07-05. Review status: criteria provided, single submitter. Criteria: GeneDx Variant Classification Process June 2021. Collection method: clinical testing. Allele origin: germline. Affected: yes.
Comment: Not observed at significant frequency in large population cohorts (gnomAD); In silico analysis supports that this missense variant has a deleterious effect on protein structure/function; Has not been previously published as pathogenic or benign to our knowledge